The following is an entry in ClinVar:

ClinVar aggregate classification (germline): Uncertain significance (1 of 4 stars; one submission).

Conditions:
Arrhythmogenic cardiomyopathy with wooly hair and keratoderma. Also called: Arrhythmogenic cardiomyopathy with woolly hair and keratoderma; PALMOPLANTAR KERATODERMA WITH LEFT VENTRICULAR CARDIOMYOPATHY AND WOOLLY HAIR; Dilated cardiomyopathy with woolly hair and keratoderma; Carvajal syndrome. Identifiers: Orphanet 65282, MedGen C1854063, MONDO:0011581, OMIM 605676.
Arrhythmogenic right ventricular dysplasia 8 (ARVD8). Also called: Arrhythmogenic Right Ventricular Dysplasia/Cardiomyopathy 8; ARRHYTHMOGENIC RIGHT VENTRICULAR CARDIOMYOPATHY 8; ARRHYTHMOGENIC RIGHT VENTRICULAR DYSPLASIA, FAMILIAL, 8. Identifiers: MedGen C1843896, MONDO:0011831, OMIM 607450.

Allele frequency attached by ClinVar (database versions not stated): gnomAD exomes below 0.00001.
gnomAD v4.1: 1 of 1,614,176 alleles (0.000062%); highest among the groups gnomAD compares: Non-Finnish European, 0.000085%; no homozygotes.

Submission:

Labcorp Genetics (formerly Invitae), Labcorp
Classification: Uncertain significance for Arrhythmogenic cardiomyopathy with wooly hair and keratoderma; Arrhythmogenic right ventricular dysplasia 8. Last evaluated: 2025-02-18. Review status: criteria provided, single submitter. Criteria: Invitae Variant Classification Sherloc (09022015). Collection method: clinical testing. Allele origin: germline.
Comment: This sequence change replaces aspartic acid, which is acidic and polar, with glycine, which is neutral and non-polar, at codon 662 of the DSP protein (p.Asp662Gly). This variant is not present in population databases (gnomAD no frequency). This variant has not been reported in the literature in individuals affected with DSP-related conditions. ClinVar contains an entry for this variant (Variation ID: 1928516). An algorithm developed to predict the effect of missense changes on protein structure and function (PolyPhen-2) suggests that this variant is likely to be tolerated. In summary, the available evidence is currently insufficient to determine the role of this variant in disease. Therefore, it has been classified as a Variant of Uncertain Significance.

NM_004415.4(DSP):c.1985A>G (p.Asp662Gly)

Gene: DSP (desmoplakin; plus strand). Cytogenetic location: 6p24.3.
Variant type: single nucleotide variant.
Coding change: c.1985A>G on transcript NM_004415.4 (MANE Select); coding-DNA position 1985, A replaced by G.
Protein change: p.Asp662Gly; replaces aspartic acid 662 with glycine.
Molecular consequence: missense variant.
Genome position (GRCh38, 1-based): chr6:7,571,923, A>G. VCF-style: chr6-7571923-A-G. GRCh37 (hg19) VCF-style: chr6-7572156-A-G.
Other names: c.1985A>G, p.Asp662Gly (NM_001008844.3, NM_001319034.2); short protein forms D662G.
Identifiers: ClinVar variation 1928516 (VCV001928516.5), dbSNP rs1759067201, ClinGen allele CA362680300.